The following is an entry in ClinVar:

NM_001282531.3(ADNP):c.2150G>A (p.Arg717His)

Gene: ADNP (activity dependent neuroprotector homeobox; minus strand). Cytogenetic location: 20q13.13.
Variant type: single nucleotide variant.
Coding change: c.2150G>A on transcript NM_001282531.3 (MANE Select); coding-DNA position 2150, G replaced by A.
Protein change: p.Arg717His; replaces arginine 717 with histidine.
Molecular consequence: missense variant.
Genome position (GRCh38, 1-based): chr20:50,892,564, C>T on the plus strand (G>A on the coding strand, the complement: ADNP is on the minus strand). VCF-style: chr20-50892564-C-T. GRCh37 (hg19) VCF-style: chr20-49509101-C-T.
Other names: c.2150G>A (NM_001282531.2); c.2150G>A, p.Arg717His (NM_001282532.2, NM_001347511.2, NM_015339.5 and 1 more transcripts); short protein forms R717H.
Identifiers: ClinVar variation 958481 (VCV000958481.13), dbSNP rs756595568, ClinGen allele CA9908635.

ClinVar aggregate classification (germline): Conflicting classifications of pathogenicity. Review status: criteria provided, conflicting classifications (1 of 4 stars). 3 submissions from 3 submitters: Uncertain significance (2); Likely benign (1). Last evaluated 2025-07-02.

Conditions:
ADNP-related multiple congenital anomalies - intellectual disability - autism spectrum disorder. Also called: Helsmoortel-Van der Aa Syndrome; ADNP-Related Helsmoortel-Van der Aa Syndrome. Identifiers: Orphanet 404448, MedGen C4014538, MONDO:0014379, OMIM 615873. Disease mechanism: loss of function.
ADNP-related disorder. Also called: ADNP-related condition.

Allele frequency attached by ClinVar (database versions not stated): gnomAD exomes 0.00003 and 0.00004; TOPMed 0.00003; ExAC 0.00006.
gnomAD v4.1: 48 of 1,614,038 alleles (0.003%); highest among the groups gnomAD compares: Admixed American, 0.0067%; no homozygotes.

Submissions (3):

PreventionGenetics, part of Exact Sciences
Classification: Uncertain significance for ADNP-related condition. Last evaluated: 2025-07-02. Review status: criteria provided, single submitter. Criteria: ACMG Guidelines, 2015. Collection method: clinical testing. Allele origin: germline.
Comment: The ADNP c.2150G>A variant is predicted to result in the amino acid substitution p.Arg717His. To our knowledge, this variant has not been reported in the literature. This variant is reported in 0.0098% of alleles in individuals of South Asian descent in gnomAD. At this time, the clinical significance of this variant is uncertain due to the absence of conclusive functional and genetic evidence.

Labcorp Genetics (formerly Invitae), Labcorp
Classification: Likely benign. Last evaluated: 2024-04-02. Review status: criteria provided, single submitter. Criteria: Invitae Variant Classification Sherloc (09022015). Collection method: clinical testing. Allele origin: germline.

Revvity Omics, Revvity
Classification: Uncertain significance for ADNP-related multiple congenital anomalies - intellectual disability - autism spectrum disorder. Last evaluated: 2022-09-07. Review status: criteria provided, single submitter. Criteria: ACMG Guidelines, 2015. Collection method: clinical testing. Allele origin: germline.